The following is an entry in ClinVar:

ClinVar aggregate classification (germline): Pathogenic (1 of 4 stars; one submission).

Submission:

Labcorp Genetics (formerly Invitae), Labcorp
Classification: Pathogenic. Last evaluated: 2023-12-22. Review status: criteria provided, single submitter. Criteria: Invitae Variant Classification Sherloc (09022015). Collection method: clinical testing. Allele origin: germline.
Comment: This sequence change creates a premature translational stop signal (p.Tyr595Leufs*13) in the ADAMTSL4 gene. It is expected to result in an absent or disrupted protein product. Loss-of-function variants in ADAMTSL4 are known to be pathogenic (PMID: 20564469, 28642162). This variant is not present in population databases (gnomAD no frequency). This premature translational stop signal has been observed in individual(s) with autosomal recessive ectopia lentis (PMID: 24802351). For these reasons, this variant has been classified as Pathogenic.

Literature cited by the submitters: PubMed 20564469; PubMed 28642162; PubMed 24802351.

NM_019032.6(ADAMTSL4):c.1783dup (p.Tyr595fs)

Genes: ADAMTSL4 (ADAMTS like 4; plus strand), ADAMTSL4-AS2 (ADAMTSL4 antisense RNA 2; minus strand). Cytogenetic location: 1q21.2.
Variant type: Duplication.
Coding change: c.1783dup on transcript NM_019032.6 (MANE Select); coding-DNA position 1783, one base duplicated (T; older notation c.1783dupT).
Protein change: p.Tyr595fs; shifts the reading frame from tyrosine 595.
Molecular consequence: frameshift variant.
Genome position (GRCh38, 1-based): chr1:150,556,972, T duplicated; the last of 6 consecutive T bases (chr1:150,556,967-150,556,972); duplicating any one gives the same sequence. VCF-style (leftmost placement, unchanged base first): chr1-150556966-G-GT. GRCh37 (hg19) VCF-style: chr1-150529442-G-GT.
Other names: c.1852dup, p.Tyr618fs (NM_001288607.2, NM_001288608.2); c.1783dup, p.Tyr595fs (NM_001378596.1, NM_025008.5); short protein forms Y595fs, Y618fs.
Identifiers: ClinVar variation 2733983 (VCV002733983.3), dbSNP rs1672198948, ClinGen allele CA645525330.